The following is an entry in ClinVar:

NM_001430.5(EPAS1):c.1035-15T>C

Gene: EPAS1 (endothelial PAS domain protein 1; plus strand). Cytogenetic location: 2p21.
Variant type: single nucleotide variant.
Coding change: c.1035-15T>C on transcript NM_001430.5 (MANE Select); 15 bases into the intron before coding-DNA position 1035, T replaced by C.
Molecular consequence: intron variant.
Genome position (GRCh38, 1-based): chr2:46,376,524, T>C. VCF-style: chr2-46376524-T-C. GRCh37 (hg19) VCF-style: chr2-46603663-T-C.
Identifiers: ClinVar variation 336256 (VCV000336256.16), dbSNP rs116510029, ClinGen allele CA1644863.

ClinVar aggregate classification (germline): Benign/Likely benign. Review status: criteria provided, multiple submitters, no conflicts (2 of 4 stars). 5 submissions from 5 submitters: Benign (3); Likely benign (2). Last evaluated 2026-02-04.

Conditions:
Erythrocytosis, familial, 4 (ECYT4). Identifiers: Orphanet 247511, MedGen C2673187, MONDO:0012729, OMIM 611783.

Allele frequency attached by ClinVar (database versions not stated): gnomAD 0.02125; TOPMed 0.02658; ESP Exome Variant Server 0.02776; 1000 Genomes Project 0.01558; ExAC 0.02259.
gnomAD v4.1: 49,806 of 1,613,214 alleles (3.1%); highest among the groups gnomAD compares: Non-Finnish European, 3.7%; 896 homozygotes.

Submissions (5):

Labcorp Genetics (formerly Invitae), Labcorp
Classification: Benign. Last evaluated: 2026-02-04. Review status: criteria provided, single submitter. Criteria: Invitae Variant Classification Sherloc (09022015). Collection method: clinical testing. Allele origin: germline.

ARUP Laboratories, Molecular Genetics and Genomics, ARUP Laboratories
Classification: Benign for Erythrocytosis, familial, 4. Last evaluated: 2025-03-07. Review status: criteria provided, single submitter. Criteria: ARUP Molecular Germline Variant Investigation Process 2024. Collection method: clinical testing. Allele origin: germline.

GeneDx
Classification: Likely benign. Last evaluated: 2018-06-22. Review status: criteria provided, single submitter. Criteria: GeneDx Variant Classification Process June 2021. Collection method: clinical testing. Allele origin: germline. Affected: yes.

Illumina Laboratory Services, Illumina
Classification: Benign for Erythrocytosis, familial, 4. Last evaluated: 2018-01-12. Review status: criteria provided, single submitter. Criteria: ICSL Variant Classification Criteria 13 December 2019. Collection method: clinical testing. Allele origin: germline.
Comment: This variant was observed in the ICSL laboratory as part of a predisposition screen in an ostensibly healthy population. It had not been previously curated by ICSL or reported in the Human Gene Mutation Database (HGMD: prior to June 1st, 2018), and was therefore a candidate for classification through an automated scoring system. Utilizing variant allele frequency, disease prevalence and penetrance estimates, and inheritance mode, an automated score was calculated to assess if this variant is too frequent to cause the disease. Based on the score and internal cut-off values, a variant classified as benign is not then subjected to further curation. The score for this variant resulted in a classification of benign for this disease.

Breakthrough Genomics
Classification: Likely benign. Review status: criteria provided, single submitter. Criteria: ACMG Guidelines, 2015. Collection method: not provided. Allele origin: germline. Inheritance: Autosomal dominant inheritance. Affected: yes.